The following is an entry in ClinVar:

NM_000191.3(HMGCL):c.160C>G (p.Pro54Ala)

Gene: HMGCL (3-hydroxy-3-methylglutaryl-CoA lyase; minus strand). Cytogenetic location: 1p36.11.
Variant type: single nucleotide variant.
Coding change: c.160C>G on transcript NM_000191.3 (MANE Select); coding-DNA position 160, C replaced by G.
Protein change: p.Pro54Ala; replaces proline 54 with alanine.
Molecular consequence: missense variant.
Genome position (GRCh38, 1-based): chr1:23,817,568, G>C on the plus strand (C>G on the coding strand, the complement: HMGCL is on the minus strand). VCF-style: chr1-23817568-G-C. GRCh37 (hg19) VCF-style: chr1-24144058-G-C.
Other names: c.160C>G, p.Pro54Ala (NM_001166059.2); short protein forms P54A.
Identifiers: ClinVar variation 1978267 (VCV001978267.2), dbSNP rs1251022689, ClinGen allele CA339029391.
Genomic context (GRCh38, chr1:23,817,568, plus strand): 5'-TGGTTTCTATAACAGAGAGTCCTGCTTCAGAAAGCATGTCTATCAGCTTGATTTTCACTG[G>C]AGTAGATACGATATTCTATAGTGGAGAGAGAAACACCAAGGCAGCAAAGTTAGTAACAAA-3'
Protein context (NP_000182.2, residues 44-64): LQNEKNIVST[Pro54Ala]VKIKLIDMLS

ClinVar aggregate classification (germline): Uncertain significance (1 of 4 stars; one submission).

Conditions:
Deficiency of hydroxymethylglutaryl-CoA lyase (HMGCLD). Also called: Defect in leucine metabolism; 3-hydroxy-3-methylglutaric aciduria; HMGCL DEFICIENCY; HYDROXYMETHYLGLUTARIC ACIDURIA; HMG-CoA LYASE DEFICIENCY. Identifiers: Orphanet 20, MedGen C1533587, MONDO:0009520, OMIM 246450.

Submission:

Labcorp Genetics (formerly Invitae), Labcorp
Classification: Uncertain significance for Deficiency of hydroxymethylglutaryl-CoA lyase. Last evaluated: 2022-08-02. Review status: criteria provided, single submitter. Criteria: Invitae Variant Classification Sherloc (09022015). Collection method: clinical testing. Allele origin: germline.
Comment: This sequence change replaces proline, which is neutral and non-polar, with alanine, which is neutral and non-polar, at codon 54 of the HMGCL protein (p.Pro54Ala). This variant is not present in population databases (gnomAD no frequency). Algorithms developed to predict the effect of missense changes on protein structure and function output the following: SIFT: "Tolerated"; PolyPhen-2: "Benign"; Align-GVGD: "Class C0". The alanine amino acid residue is found in multiple mammalian species, which suggests that this missense change does not adversely affect protein function. In summary, the available evidence is currently insufficient to determine the role of this variant in disease. Therefore, it has been classified as a Variant of Uncertain Significance. This variant has not been reported in the literature in individuals affected with HMGCL-related conditions.